The following is an entry in ClinVar:

ClinVar aggregate classification (germline): Conflicting classifications of pathogenicity. Review status: criteria provided, conflicting classifications (1 of 4 stars). 7 submissions from 7 submitters: Uncertain significance (2); Benign (2); Likely benign (2). 1 of the submissions does not count toward it. Last evaluated 2026-01-17.

Conditions:
TSC1-related disorder. Also called: TSC1-related condition.
Hereditary cancer-predisposing syndrome. Also called: Hereditary neoplastic syndrome; Tumor predisposition; Neoplastic Syndromes, Hereditary; Hereditary Cancer Syndrome. Identifiers: Orphanet 140162, MedGen C0027672, MeSH D009386, MONDO:0015356.
Tuberous sclerosis syndrome (TSC). Also called: Tuberous sclerosis; Tuberous Sclerosis Complex. Identifiers: Orphanet 805, MedGen C0041341, MONDO:0001734.
Tuberous sclerosis 1 (TSC1). Identifiers: Orphanet 805, MedGen C1854465, MONDO:0008612, OMIM 191100.

Allele frequency attached by ClinVar (database versions not stated): gnomAD exomes 0.00001; ExAC 0.00002; TOPMed 0.00002.
gnomAD v4.1: 15 of 1,613,978 alleles (0.00093%); highest among the groups gnomAD compares: South Asian, 0.0066%; no homozygotes.

Submissions (7):

Labcorp Genetics (formerly Invitae), Labcorp
Classification: Benign for Tuberous sclerosis 1. Last evaluated: 2026-01-17. Review status: criteria provided, single submitter. Criteria: Invitae Variant Classification Sherloc (09022015). Collection method: clinical testing. Allele origin: germline.

All of Us Research Program, National Institutes of Health
Classification: Uncertain significance for Tuberous sclerosis syndrome. Last evaluated: 2023-12-13. Review status: criteria provided, single submitter. Criteria: ACMG Guidelines, 2015. Collection method: clinical testing. Allele origin: germline. Inheritance: Autosomal dominant inheritance. Observed: 1 variant allele, 1 heterozygote.
Comment: This missense variant replaces alanine with threonine at codon 1026 of the TSC1 protein. Computational prediction suggests that this variant may not impact protein structure and function (internally defined REVEL score threshold <= 0.5, PMID: 27666373). To our knowledge, functional studies have not been reported for this variant. This variant has not been reported in individuals affected with TSC1-related disorders in the literature. This variant has been identified in 3/249426 chromosomes in the general population by the Genome Aggregation Database (gnomAD). The available evidence is insufficient to determine the role of this variant in disease conclusively. Therefore, this variant is classified as a Variant of Uncertain Significance.

This study involves interpretation of variants in research participants for the purpose of population health screening. Participant phenotype was not available at the time of variant classification. Additional details can be found in publication PMID: 35346344, PMCID: PMC8962531

Genome-Nilou Lab
Classification: Benign for Tuberous sclerosis 1. Last evaluated: 2021-11-07. Review status: criteria provided, single submitter. Criteria: ACMG Guidelines, 2015. Collection method: clinical testing. Allele origin: germline. Affected: no.

Sema4
Classification: Uncertain significance for Hereditary cancer-predisposing syndrome. Last evaluated: 2021-06-07. Review status: criteria provided, single submitter. Criteria: Sema4 Curation Guidelines. Collection method: curation. Allele origin: germline.
Comment: The TSC1 c.3076G>A (p.A1026T) variant has not been reported in the literature to our knowledge. It was observed in 2/30602 chromosomes of the South Asian subpopulation in the large and broad cohorts of the Genome Aggregation Database (PMID: 32461654). The variant has been reported in ClinVar (Variation ID 379061). In silico tools suggest the impact of the variant on protein function is inconclusive, though these predictions have not been confirmed by functional studies. The evidence is insufficient to meet ACMG/AMP criteria for classifying the variant as benign or pathogenic. Thus, the clinical significance of this variant is currently uncertain.

Ambry Genetics
Classification: Likely benign for Hereditary cancer-predisposing syndrome. Last evaluated: 2018-02-28. Review status: criteria provided, single submitter. Criteria: Ambry Variant Classification Scheme 2023. Collection method: clinical testing. Allele origin: germline.

GeneDx
Classification: Likely benign. Last evaluated: 2015-12-11. Review status: criteria provided, single submitter. Criteria: GeneDx Variant Classification (06012015). Collection method: clinical testing. Allele origin: germline. Affected: yes.
Comment: This variant is considered likely benign or benign based on one or more of the following criteria: it is a conservative change, it occurs at a poorly conserved position in the protein, it is predicted to be benign by multiple in silico algorithms, and/or has population frequency not consistent with disease.

PreventionGenetics, part of Exact Sciences
Classification: Uncertain significance for TSC1-related condition. Last evaluated: 2024-06-16. Review status: no assertion criteria provided. Collection method: clinical testing. Allele origin: germline. Not counted in ClinVar's aggregate classification.
Comment: The TSC1 c.3076G>A variant is predicted to result in the amino acid substitution p.Ala1026Thr. To our knowledge, this variant has not been reported in the literature. This variant is reported in 0.0065% of alleles in individuals of South Asian descent in gnomAD and has conflicting interpretations regarding its pathogenicity in ClinVar, ranging from benign to uncertain. At this time, the clinical significance of this variant is uncertain due to the absence of conclusive functional and genetic evidence.

NM_000368.5(TSC1):c.3076G>A (p.Ala1026Thr)

Gene: TSC1 (TSC complex subunit 1; minus strand). Cytogenetic location: 9q34.13.
Variant type: single nucleotide variant.
Coding change: c.3076G>A on transcript NM_000368.5 (MANE Select); coding-DNA position 3076, G replaced by A.
Protein change: p.Ala1026Thr; replaces alanine 1026 with threonine.
Molecular consequence: missense variant.
Genome position (GRCh38, 1-based): chr9:132,896,654, C>T on the plus strand (G>A on the coding strand, the complement: TSC1 is on the minus strand). VCF-style: chr9-132896654-C-T. GRCh37 (hg19) VCF-style: chr9-135772041-C-T.
Other names: c.3073G>A, p.Ala1025Thr (NM_001162426.2); c.2923G>A, p.Ala975Thr (NM_001162427.2); c.2713G>A, p.Ala905Thr (NM_001362177.2); short protein forms A1026T, A975T, A1025T, A905T.
Identifiers: ClinVar variation 379061 (VCV000379061.21), dbSNP rs533565295, ClinGen allele CA035755.
Genomic context (GRCh38, chr9:132,896,654, plus strand): 5'-AAAGCTCGCTGCTGCTGCTGCTGCTGCCTCCACCACCTCTGCTTCCACTACTGCCCCGGG[C>T]GCTGCTGGGCCTGGGGGTCTTGGTCTCACCGTTGTGGCCAGATGCCTCTTCATTGTGCCC-3'
Protein context (NP_000359.1, residues 1016-1036): GETKTPRPSS[Ala1026Thr]RGSSGSRGGG